The following is an entry in ClinVar:

NM_198576.4(AGRN):c.1460C>T (p.Ala487Val)

Gene: AGRN (agrin; plus strand). Cytogenetic location: 1p36.33.
Variant type: single nucleotide variant.
Coding change: c.1460C>T on transcript NM_198576.4 (MANE Select); coding-DNA position 1460, C replaced by T.
Protein change: p.Ala487Val; replaces alanine 487 with valine.
Molecular consequence: missense variant.
Genome position (GRCh38, 1-based): chr1:1,043,314, C>T. VCF-style: chr1-1043314-C-T. GRCh37 (hg19) VCF-style: chr1-978694-C-T.
Other names: c.1460C>T, p.Ala487Val (NM_001305275.2); c.1145C>T, p.Ala382Val (NM_001364727.2); short protein forms A382V, A487V.
Identifiers: ClinVar variation 1021324 (VCV001021324.4), dbSNP rs139302553, ClinGen allele CA508189.

ClinVar aggregate classification (germline): Uncertain significance (1 of 4 stars; one submission).

Conditions:
Congenital myasthenic syndrome 8. Also called: MYASTHENIC SYNDROME, CONGENITAL, DUE TO AGRIN DEFICIENCY; Myasthenic syndrome, congenital, 8, with pre- and postsynaptic defects. Identifiers: Orphanet 590, MedGen C3808739, MONDO:0014052, OMIM 615120.

Allele frequency attached by ClinVar (database versions not stated): gnomAD 0.00014 and 0.00016; TOPMed 0.00020; ESP Exome Variant Server 0.00046.
gnomAD v4.1: 54 of 1,610,704 alleles (0.0034%); highest among the groups gnomAD compares: African/African-American, 0.051%; no homozygotes.

Submission:

Labcorp Genetics (formerly Invitae), Labcorp
Classification: Uncertain significance for Congenital myasthenic syndrome 8. Last evaluated: 2022-07-12. Review status: criteria provided, single submitter. Criteria: Invitae Variant Classification Sherloc (09022015). Collection method: clinical testing. Allele origin: germline.
Comment: This sequence change replaces alanine, which is neutral and non-polar, with valine, which is neutral and non-polar, at codon 487 of the AGRN protein (p.Ala487Val). This variant is present in population databases (rs139302553, gnomAD 0.09%). This variant has not been reported in the literature in individuals affected with AGRN-related conditions. ClinVar contains an entry for this variant (Variation ID: 1021324). Algorithms developed to predict the effect of missense changes on protein structure and function output the following: SIFT: "Tolerated"; PolyPhen-2: "Possibly Damaging"; Align-GVGD: "Class C0". The valine amino acid residue is found in multiple mammalian species, which suggests that this missense change does not adversely affect protein function. Algorithms developed to predict the effect of sequence changes on RNA splicing suggest that this variant may create or strengthen a splice site. In summary, the available evidence is currently insufficient to determine the role of this variant in disease. Therefore, it has been classified as a Variant of Uncertain Significance.